The following is an entry in ClinVar:

ClinVar aggregate classification (germline): Pathogenic (1 of 4 stars; one submission).

Submission:

Labcorp Genetics (formerly Invitae), Labcorp
Classification: Pathogenic. Last evaluated: 2019-01-02. Review status: criteria provided, single submitter. Criteria: Invitae Variant Classification Sherloc (09022015). Collection method: clinical testing. Allele origin: germline.
Comment: For these reasons, this variant has been classified as Pathogenic. Loss-of-function variants in GLE1 are known to be pathogenic (PMID:¬†18204449, 24243016). This variant has not been reported in the literature in individuals with GLE1-related conditions. This variant is an out-of-frame deletion of the genomic region encompassing exons 3-11 of the GLE1 gene. This is expected to create a premature translational stop signal and result in an absent or disrupted protein product.

NC_000009.12:g.(?_128515519)_(128533961_?)del

Gene: GLE1 (GLE1 RNA export mediator; plus strand). Cytogenetic location: 9q34.11.
Variant type: Deletion.
Identifiers: ClinVar variation 833204 (VCV000833204.5).